The following is an entry in ClinVar:

ClinVar aggregate classification (germline): Uncertain significance (1 of 4 stars; one submission).

Allele frequency attached by ClinVar (database versions not stated): gnomAD exomes below 0.00001.
gnomAD v4.1: 3 of 1,613,866 alleles (0.00019%); highest among the groups gnomAD compares: Non-Finnish European, 0.00025%; no homozygotes.

Submission:

Labcorp Genetics (formerly Invitae), Labcorp
Classification: Uncertain significance. Last evaluated: 2022-08-16. Review status: criteria provided, single submitter. Criteria: Invitae Variant Classification Sherloc (09022015). Collection method: clinical testing. Allele origin: germline.
Comment: In summary, the available evidence is currently insufficient to determine the role of this variant in disease. Therefore, it has been classified as a Variant of Uncertain Significance. Algorithms developed to predict the effect of missense changes on protein structure and function are either unavailable or do not agree on the potential impact of this missense change (SIFT: "Deleterious"; PolyPhen-2: "Possibly Damaging"; Align-GVGD: "Class C0"). This variant has not been reported in the literature in individuals affected with RASGRP1-related conditions. This variant is not present in population databases (gnomAD no frequency). This sequence change replaces arginine, which is basic and polar, with cysteine, which is neutral and slightly polar, at codon 741 of the RASGRP1 protein (p.Arg741Cys).

NM_005739.4(RASGRP1):c.2221C>T (p.Arg741Cys)

Gene: RASGRP1 (RAS guanyl releasing protein 1; minus strand). Cytogenetic location: 15q14.
Variant type: single nucleotide variant.
Coding change: c.2221C>T on transcript NM_005739.4 (MANE Select); coding-DNA position 2221, C replaced by T.
Protein change: p.Arg741Cys; replaces arginine 741 with cysteine.
Molecular consequence: missense variant. On other transcripts: intron variant (1).
Genome position (GRCh38, 1-based): chr15:38,494,420, G>A on the plus strand (C>T on the coding strand, the complement: RASGRP1 is on the minus strand). VCF-style: chr15-38494420-G-A. GRCh37 (hg19) VCF-style: chr15-38786621-G-A.
Other names: c.2116C>T, p.Arg706Cys (NM_001128602.2); c.1769-3732C>T (NM_001306086.2); short protein forms R741C, R706C.
Identifiers: ClinVar variation 2088737 (VCV002088737.4), dbSNP rs2141076344, ClinGen allele CA391661767.